The following is an entry in ClinVar:

ClinVar aggregate classification (germline): Uncertain significance (1 of 4 stars; one submission).

Submission:

GeneDx
Classification: Uncertain significance. Last evaluated: 2026-02-24. Review status: criteria provided, single submitter. Criteria: GeneDx Variant Classification Process June 2021. Collection method: clinical testing. Allele origin: germline.
Comment: Not observed at significant frequency in large population cohorts (gnomAD); Frameshift variant predicted to result in abnormal protein length as the last 29 amino acid(s) are replaced with 10 different amino acid(s); Has not been previously published as pathogenic or benign to our knowledge

NM_001270.4(CHD1):c.5042dup (p.Arg1682fs)

Gene: CHD1 (chromodomain helicase DNA binding protein 1; minus strand). Cytogenetic location: 5q15.
Variant type: Duplication.
Coding change: c.5042dup on transcript NM_001270.4 (MANE Select); coding-DNA position 5042, one base duplicated (A; older notation c.5042dupA).
Protein change: p.Arg1682fs; shifts the reading frame from arginine 1682.
Molecular consequence: frameshift variant. On other transcripts: non-coding transcript variant (2).
Genome position (GRCh38, 1-based): chr5:98,856,471, T duplicated on the plus strand (A on the coding strand, the reverse complement: CHD1 is on the minus strand). VCF-style (leftmost placement, unchanged base first): chr5-98856470-C-CT. GRCh37 (hg19) VCF-style: chr5-98192174-C-CT.
Other names: c.5306dup, p.Arg1770fs (NM_001364113.3); c.5042dup, p.Arg1682fs (NM_001376194.2); short protein forms R1682fs, R1770fs.
Identifiers: ClinVar variation 4888033 (VCV004888033.1).